The following is an entry in ClinVar:

ClinVar aggregate classification (germline): Uncertain significance (1 of 4 stars; one submission).

Submission:

Labcorp Genetics (formerly Invitae), Labcorp
Classification: Uncertain significance. Last evaluated: 2022-03-13. Review status: criteria provided, single submitter. Criteria: Invitae Variant Classification Sherloc (09022015). Collection method: clinical testing. Allele origin: germline.
Comment: In summary, the available evidence is currently insufficient to determine the role of this variant in disease. Therefore, it has been classified as a Variant of Uncertain Significance. Algorithms developed to predict the effect of missense changes on protein structure and function are either unavailable or do not agree on the potential impact of this missense change (SIFT: "Not Available"; PolyPhen-2: "Probably Damaging"; Align-GVGD: "Not Available"). This variant has not been reported in the literature in individuals affected with ACVR1-related conditions. The frequency data for this variant in the population databases is considered unreliable, as metrics indicate poor data quality at this position in the gnomAD database. This sequence change replaces glutamic acid, which is acidic and polar, with glycine, which is neutral and non-polar, at codon 230 of the ACVR1 protein (p.Glu230Gly).

NM_001111067.4(ACVR1):c.689_690delinsGA (p.Glu230Gly)

Gene: ACVR1 (activin A receptor type 1; minus strand). Cytogenetic location: 2q24.1.
Variant type: Indel.
Coding change: c.689_690delinsGA on transcript NM_001111067.4 (MANE Select); coding-DNA positions 689 to 690, AG replaced by GA.
Protein change: p.Glu230Gly; replaces glutamic acid 230 with glycine.
Molecular consequence: missense variant.
Genome position (GRCh38, 1-based): chr2:157,770,468-157,770,469, CT replaced by TC on the plus strand (AG replaced by GA on the coding strand, the reverse complement: ACVR1 is on the minus strand). VCF-style: chr2-157770468-CT-TC. GRCh37 (hg19) VCF-style: chr2-158626980-CT-TC.
Other names: c.689_690delinsGA, p.Glu230Gly (NM_001105.5, NM_001347663.1, NM_001347664.1 and 3 more transcripts); short protein forms E230G.
Identifiers: ClinVar variation 1972170 (VCV001972170.5), dbSNP rs2467942110, ClinGen allele CA2580064116.